The following is an entry in ClinVar:

NM_004517.4(ILK):c.799C>G (p.Leu267Val)

Genes: TAF10 (TATA-box binding protein associated factor 10; minus strand), ILK (integrin linked kinase; plus strand). Cytogenetic location: 11p15.4.
Variant type: single nucleotide variant.
Coding change: c.799C>G on transcript NM_004517.4 (MANE Select); coding-DNA position 799, C replaced by G.
Protein change: p.Leu267Val; replaces leucine 267 with valine.
Molecular consequence: missense variant. On other transcripts: 3 prime UTR variant (1).
Genome position (GRCh38, 1-based): chr11:6,609,582, C>G. VCF-style: chr11-6609582-C-G. GRCh37 (hg19) VCF-style: chr11-6630813-C-G.
Other names: c.799C>G, p.Leu267Val (NM_001014794.3, NM_001014795.3); c.616C>G, p.Leu206Val (NM_001278441.2); c.397C>G, p.Leu133Val (NM_001278442.2); c.*1340G>C (NM_006284.4); short protein forms L133V, L267V, L206V.
Identifiers: ClinVar variation 938001 (VCV000938001.10), dbSNP rs1236862935, ClinGen allele CA379462458.

ClinVar aggregate classification (germline): Uncertain significance (1 of 4 stars; one submission).

Conditions:
Primary familial hypertrophic cardiomyopathy (HCM). Identifiers: Orphanet 99739, MedGen C0949658, MeSH D024741, MONDO:0024573. Inheritance: Various modes of inheritance.

Allele frequency attached by ClinVar (database versions not stated): TOPMed below 0.00001; gnomAD exomes 0.00001.
gnomAD v4.1: 3 of 1,614,178 alleles (0.00019%); no homozygotes.

Submission:

Labcorp Genetics (formerly Invitae), Labcorp
Classification: Uncertain significance for Primary familial hypertrophic cardiomyopathy. Last evaluated: 2019-07-08. Review status: criteria provided, single submitter. Criteria: Invitae Variant Classification Sherloc (09022015). Collection method: clinical testing. Allele origin: germline.
Comment: This variant has not been reported in the literature in individuals with ILK-related conditions. In summary, the available evidence is currently insufficient to determine the role of this variant in disease. Therefore, it has been classified as a Variant of Uncertain Significance. Algorithms developed to predict the effect of missense changes on protein structure and function (SIFT, PolyPhen-2, Align-GVGD) all suggest that this variant is likely to be tolerated, but these predictions have not been confirmed by published functional studies and their clinical significance is uncertain. This variant is not present in population databases (ExAC no frequency). This sequence change replaces leucine with valine at codon 267 of the ILK protein (p.Leu267Val). The leucine residue is moderately conserved and there is a small physicochemical difference between leucine and valine.